The following is an entry in ClinVar:

ClinVar aggregate classification (germline): Pathogenic/Likely pathogenic. Review status: criteria provided, multiple submitters, no conflicts (2 of 4 stars). 3 submissions from 3 submitters: Pathogenic (2); Likely pathogenic (1). Last evaluated 2025-12-16.

Conditions:
Retinitis pigmentosa 93. Identifiers: MedGen C5676970, MONDO:0030797, OMIM 619845.
COACH syndrome 2. Identifiers: MedGen C5436837, MONDO:0030859, OMIM 619111.
Meckel syndrome, type 6. Identifiers: Orphanet 564, MedGen C2676790, MONDO:0012848, OMIM 612284.
Joubert syndrome 9 (JBTS9). Identifiers: Orphanet 2318, MedGen C2676788, MONDO:0012849, OMIM 612285.

Submissions (3):

Women's Health and Genetics/Laboratory Corporation of America, LabCorp
Classification: Pathogenic for Meckel syndrome, type 6. Last evaluated: 2025-12-16. Review status: criteria provided, single submitter. Criteria: LabCorp Variant Classification Summary - May 2015. Collection method: clinical testing. Allele origin: germline.
Comment: Variant summary: CC2D2A c.2710G>T (p.Glu904X) results in a premature termination codon, predicted to cause a truncation of the encoded protein or absence of the protein due to nonsense mediated decay, which are commonly known mechanisms for disease. The variant was absent in 248646 control chromosomes. To our knowledge, no occurrence of c.2710G>T in individuals affected with CC2D2A-related conditions and no experimental evidence demonstrating its impact on protein function have been reported. ClinVar contains an entry for this variant (Variation ID: 1805718). Based on the evidence outlined above, the variant was classified as pathogenic.

Victorian Clinical Genetics Services, Murdoch Childrens Research Institute
Classification: Pathogenic for Joubert syndrome 9. Last evaluated: 2020-07-02. Review status: criteria provided, single submitter. Criteria: ACMG Guidelines, 2015. Collection method: clinical testing. Allele origin: germline. Inheritance: Autosomal recessive inheritance.
Comment: Based on the classification scheme VCGS_Germline_v1.3.3, this variant is classified as Pathogenic. Following criteria are met: 0102 - Loss of function is a known mechanism of disease in this gene. (I) 0106 - This gene is associated with autosomal recessive disease. (I) 0201 - Variant is predicted to cause nonsense-mediated decay (NMD) and loss of protein (premature termination codon is located at least 54 nucleotides upstream of the final exon-exon junction). (SP) 0219 - This variant is non-coding in an alternative transcript. The variant is non-coding in two shorter transcripts, however is it coding in the longest isoform (NCBI, UCSC). (I) 0251 - This variant is heterozygous. (I) 0301 - Variant is absent from gnomAD (both v2 and v3). (SP) 0701 - Other NMD-predicted variants comparable to the one identified in this case have very strong previous evidence for pathogenicity. Many other NMD-predicted variants in this transcript have previously been classified as pathogenic in CC2D2A-related disorders (ClinVar). (SP) 0807 - This variant has no previous evidence of pathogenicity. (I) 0905 - No published segregation evidence has been identified for this variant. (I) 1007 - No published functional evidence has been identified for this variant. (I) 1208 - Inheritance information for this variant is not currently available in this individual. (I) Legend: (SP) - Supporting pathogenic, (I) - Information, (SB) - Supporting benign

Juno Genomics, Hangzhou Juno Genomics, Inc
Classification: Likely pathogenic for COACH syndrome 2; Joubert syndrome 9; Meckel syndrome, type 6; Retinitis pigmentosa 93. Review status: criteria provided, single submitter. Criteria: ACMG Guidelines, 2015. Collection method: clinical testing. Allele origin: germline.
Comment: Null variant in a gene where loss of function (LOF) is a known mechanism of disease.;Absent from controls (or at extremely low frequency if recessive) in Genome Aggregation Database.

NM_001378615.1(CC2D2A):c.2710G>T (p.Glu904Ter)

Genes: CC2D2A (coiled-coil and C2 domain containing 2A; plus strand), FBXL5 (F-box and leucine rich repeat protein 5; minus strand). Cytogenetic location: 4p15.32.
Variant type: single nucleotide variant.
Coding change: c.2710G>T on transcript NM_001378615.1 (MANE Select); coding-DNA position 2710, G replaced by T.
Protein change: p.Glu904Ter; replaces glutamic acid 904 with a stop codon.
Molecular consequence: nonsense.
Genome position (GRCh38, 1-based): chr4:15,557,388, G>T. VCF-style: chr4-15557388-G-T. GRCh37 (hg19) VCF-style: chr4-15559011-G-T.
Other names: c.2710G>T, p.Glu904Ter (NM_001080522.2); c.2563G>T, p.Glu855Ter (NM_001378617.1); short protein forms E855*, E904*.
Identifiers: ClinVar variation 1805718 (VCV001805718.4), dbSNP rs2475041330, ClinGen allele CA356412285.